The following is an entry in ClinVar:

ClinVar aggregate classification (germline): Uncertain significance (1 of 4 stars; one submission).

Conditions:
Hereditary cancer-predisposing syndrome. Also called: Neoplastic Syndromes, Hereditary; Tumor predisposition; Hereditary neoplastic syndrome; Hereditary Cancer Syndrome. Identifiers: Orphanet 140162, MedGen C0027672, MeSH D009386, MONDO:0015356.

Submission:

Ambry Genetics
Classification: Uncertain significance for Hereditary cancer-predisposing syndrome. Last evaluated: 2026-07-06. Review status: criteria provided, single submitter. Criteria: Ambry Variant Classification Scheme 2023. Collection method: clinical testing. Allele origin: germline.
Comment: The p.L4H variant (also known as c.11T>A), located in coding exon 1 of the MUTYH gene, results from a T to A substitution at nucleotide position 11. The leucine at codon 4 is replaced by histidine, an amino acid with similar properties. This amino acid position is conserved. In addition, this alteration is predicted to be tolerated by in silico analysis. Based on the available evidence, the clinical significance of this variant remains unclear.

NM_001128425.2(MUTYH):c.11T>A (p.Leu4His)

Genes: MUTYH (mutY DNA glycosylase; minus strand), TOE1 (target of EGR1, exonuclease; plus strand). Cytogenetic location: 1p34.1.
Variant type: single nucleotide variant.
Coding change: c.11T>A on transcript NM_001128425.2 (MANE Plus Clinical); coding-DNA position 11, T replaced by A.
Protein change: p.Leu4His; replaces leucine 4 with histidine.
Molecular consequence: missense variant. On other transcripts: 5 prime UTR variant (8), non-coding transcript variant (3).
Genome position (GRCh38, 1-based): chr1:45,340,244, A>T on the plus strand (T>A on the coding strand, the complement: MUTYH is on the minus strand). VCF-style: chr1-45340244-A-T. GRCh37 (hg19) VCF-style: chr1-45805916-A-T.
Other names: c.-9A>T (NM_025077.4); c.-32T>A (NM_001048171.2); c.11T>A, p.Leu4His (NM_001293190.2, NM_001407069.1, NM_001407073.1 and 1 more transcripts); c.-244T>A (NM_001293192.2); c.-303T>A (NM_001350650.2); c.-239T>A (NM_001350651.2); c.-48T>A (NM_001407070.1, NM_001407071.1); c.-28T>A (NM_001407072.1); short protein forms L4H.
Identifiers: ClinVar variation 5024993 (VCV005024993.1).